The following is an entry in ClinVar:

NM_006899.5(IDH3B):c.117+6C>A

Gene: IDH3B (isocitrate dehydrogenase (NAD(+)) 3 non-catalytic subunit beta; minus strand). Cytogenetic location: 20p13.
Variant type: single nucleotide variant.
Coding change: c.117+6C>A on transcript NM_006899.5 (MANE Select); 6 bases into the intron after coding-DNA position 117, C replaced by A.
Molecular consequence: intron variant.
Genome position (GRCh38, 1-based): chr20:2,663,919, G>T on the plus strand (C>A on the coding strand, the complement: IDH3B is on the minus strand). VCF-style: chr20-2663919-G-T. GRCh37 (hg19) VCF-style: chr20-2644565-G-T.
Other names: c.117+6C>A (NM_174855.4, NM_001330763.2, NM_001258384.3).
Identifiers: ClinVar variation 95442 (VCV000095442.63), dbSNP rs191680997, ClinGen allele CA148540.

ClinVar aggregate classification (germline): Conflicting classifications of pathogenicity. Review status: criteria provided, conflicting classifications (1 of 4 stars). 6 submissions from 6 submitters: Uncertain significance (2); Benign (1); Likely benign (2). 1 of the submissions does not count toward it. Last evaluated 2026-01-26.

Conditions:
IDH3B-related disorder. Also called: IDH3B-related condition.
Retinitis pigmentosa (RP). Identifiers: Orphanet 791, MedGen C0035334, MeSH D012174, MONDO:0019200, OMIM 268000. Inheritance: Autosomal dominant, autosomal recessive and X linked inheritance.

Allele frequency attached by ClinVar (database versions not stated): 1000 Genomes Project 30x 0.00172; 1000 Genomes Project 0.00200; TOPMed 0.00307; ESP Exome Variant Server 0.00331; gnomAD 0.00371 and 0.00388.
gnomAD v4.1: 7,733 of 1,613,298 alleles (0.48%); highest among the groups gnomAD compares: Non-Finnish European, 0.56%; 28 homozygotes.

Submissions (6):

Labcorp Genetics (formerly Invitae), Labcorp
Classification: Likely benign. Last evaluated: 2026-01-26. Review status: criteria provided, single submitter. Criteria: Invitae Variant Classification Sherloc (09022015). Collection method: clinical testing. Allele origin: germline.

Blueprint Genetics
Classification: Likely benign. Last evaluated: 2024-11-22. Review status: criteria provided, single submitter. Criteria: ACMG Guidelines, 2015. Collection method: clinical testing. Allele origin: germline.

Illumina Laboratory Services, Illumina
Classification: Uncertain significance for Retinitis pigmentosa. Last evaluated: 2018-01-13. Review status: criteria provided, single submitter. Criteria: ICSL Variant Classification Criteria 13 December 2019. Collection method: clinical testing. Allele origin: germline.

CeGaT Center for Human Genetics Tuebingen
Classification: Uncertain significance. Last evaluated: 2016-06-01. Review status: criteria provided, single submitter. Criteria: CeGaT Center For Human Genetics Tuebingen Variant Classification Criteria Version 2. Collection method: clinical testing. Allele origin: germline. Affected: yes. Observed: 1 variant allele.

Eurofins Ntd Llc (ga)
Classification: Benign. Last evaluated: 2015-01-30. Review status: criteria provided, single submitter. Criteria: EGL Classification Definitions 2015. Collection method: clinical testing. Allele origin: germline. Observed: 4 variant alleles, 4 heterozygotes.

PreventionGenetics, part of Exact Sciences
Classification: Benign for IDH3B-related condition. Last evaluated: 2019-07-19. Review status: no assertion criteria provided. Collection method: clinical testing. Allele origin: germline. Not counted in ClinVar's aggregate classification.
Comment: This variant is classified as benign based on ACMG/AMP sequence variant interpretation guidelines (Richards et al. 2015 PMID: 25741868, with internal and published modifications).